The following is an entry in ClinVar:

ClinVar aggregate classification (germline): Conflicting classifications of pathogenicity. Review status: criteria provided, conflicting classifications (1 of 4 stars). 3 submissions from 3 submitters: Pathogenic (1); Likely pathogenic (1); Uncertain significance (1). Last evaluated 2024-10-12.

Conditions:
Stickler syndrome, type 4 (STL4). Identifiers: Orphanet 250984, Orphanet 828, MedGen C3279941, MONDO:0013590, OMIM 614134.
Epiphyseal dysplasia, multiple, 6. Also called: COL9A1-Related Multiple Epiphyseal Dysplasia. Identifiers: MedGen C2675767, MONDO:0013591, OMIM 614135.

gnomAD v4.1: 10 of 1,614,024 alleles (0.00062%); highest among the groups gnomAD compares: East Asian, 0.0022%; no homozygotes.

Submissions (3):

Labcorp Genetics (formerly Invitae), Labcorp
Classification: Pathogenic. Last evaluated: 2024-10-12. Review status: criteria provided, single submitter. Criteria: Invitae Variant Classification Sherloc (09022015). Collection method: clinical testing. Allele origin: germline.
Comment: This sequence change creates a premature translational stop signal (p.Arg118*) in the COL9A1 gene. It is expected to result in an absent or disrupted protein product. Loss-of-function variants in COL9A1 are known to be pathogenic (PMID: 16909383, 21421862). This variant is present in population databases (rs147237457, gnomAD 0.002%). This variant has not been reported in the literature in individuals affected with COL9A1-related conditions. ClinVar contains an entry for this variant (Variation ID: 930660). Algorithms developed to predict the effect of sequence changes on RNA splicing suggest that this variant may disrupt the consensus splice site. For these reasons, this variant has been classified as Pathogenic.

Centre for Mendelian Genomics, University Medical Centre Ljubljana
Classification: Uncertain significance for Stickler syndrome, type 4. Last evaluated: 2020-02-03. Review status: criteria provided, single submitter. Criteria: ACMG Guidelines, 2015. Collection method: clinical testing. Allele origin: unknown. Affected: yes.
Comment: This variant was classified as: Uncertain significance. The available evidence on this variant's pathogenicity is insufficient or conflicting. The following ACMG criteria were applied in classifying this variant: PP3.

Juno Genomics, Hangzhou Juno Genomics, Inc
Classification: Likely pathogenic for Stickler syndrome, type 4; Epiphyseal dysplasia, multiple, 6. Review status: criteria provided, single submitter. Criteria: ACMG Guidelines, 2015. Collection method: clinical testing. Allele origin: germline.
Comment: Absent from controls (or at extremely low frequency if recessive) in Genome Aggregation Database.;Null variant in a gene where loss of function (LOF) is a known mechanism of disease.

Literature cited by the submitters: PubMed 16909383 (cited by Labcorp Genetics (formerly Invitae), Labcorp); PubMed 21421862 (cited by Labcorp Genetics (formerly Invitae), Labcorp).

NM_001851.6(COL9A1):c.352C>T (p.Arg118Ter)

Gene: COL9A1 (collagen type IX alpha 1 chain; minus strand). Cytogenetic location: 6q13.
Variant type: single nucleotide variant.
Coding change: c.352C>T on transcript NM_001851.6 (MANE Select); coding-DNA position 352, C replaced by T.
Protein change: p.Arg118Ter; replaces arginine 118 with a stop codon.
Molecular consequence: nonsense.
Genome position (GRCh38, 1-based): chr6:70,294,511, G>A on the plus strand (C>T on the coding strand, the complement: COL9A1 is on the minus strand). VCF-style: chr6-70294511-G-A. GRCh37 (hg19) VCF-style: chr6-71004214-G-A.
Other names: c.352C>T, p.Arg118Ter (NM_001377291.1); short protein forms R118*.
Identifiers: ClinVar variation 930660 (VCV000930660.10), dbSNP rs147237457, ClinGen allele CA3882834.